The following is an entry in ClinVar:

ClinVar aggregate classification (germline): Conflicting classifications of pathogenicity. Review status: criteria provided, conflicting classifications (1 of 4 stars). 5 submissions from 5 submitters: Uncertain significance (3); Likely benign (2). Last evaluated 2025-11-03.

Conditions:
Kidney disorder. Also called: renal disorder; Nephropathy; Kidney disease; Kidney Diseases; renal disease. Identifiers: MedGen C0022658, MONDO:0005240, HP:0000112.
Atypical hemolytic-uremic syndrome. Identifiers: Orphanet 2134, MedGen C2931788, MONDO:0016244.
Atypical hemolytic-uremic syndrome with MCP/CD46 anomaly. Also called: HEMOLYTIC UREMIC SYNDROME, ATYPICAL, SUSCEPTIBILITY TO, 2; AHUS, SUSCEPTIBILITY TO, 2. Identifiers: Orphanet 2134, MedGen C2752040, MONDO:0013040, OMIM 612922.

Allele frequency attached by ClinVar (database versions not stated): gnomAD 0.00005 and 0.00006; TOPMed 0.00008.
gnomAD v4.1: 57 of 1,613,280 alleles (0.0035%); highest among the groups gnomAD compares: East Asian, 0.1%; no homozygotes.

Submissions (5):

Labcorp Genetics (formerly Invitae), Labcorp
Classification: Likely benign. Last evaluated: 2025-11-03. Review status: criteria provided, single submitter. Criteria: Invitae Variant Classification Sherloc (09022015). Collection method: clinical testing. Allele origin: germline.

Genomenon, Inc
Classification: Likely benign for Atypical hemolytic-uremic syndrome. Last evaluated: 2025-10-02. Review status: criteria provided, single submitter. Criteria: Genomenon Sequence Variant Interpretation Standards. Collection method: curation. Allele origin: germline. Affected: yes.
Comment: CD46 p.Asp192His (c.574G>C) is a missense variant that changes the amino acid at residue 192 from Aspartic acid to Histidine. This variant has been observed in at least one proband affected with atypical hemolytic-uremic syndrome (PMID:27064621). In silico models agree that this variant is not damaging. This variant’s allele frequency in gnomAD is greater than expected for this disorder. In conclusion, we classify CD46 p.Asp192His (c.574G>C) as a likely benign variant.

Blueprint Genetics
Classification: Uncertain significance. Last evaluated: 2023-09-27. Review status: criteria provided, single submitter. Criteria: ACMG Guidelines, 2015. Collection method: clinical testing. Allele origin: germline.

Genome Diagnostics Laboratory, The Hospital for Sick Children
Classification: Uncertain significance for Kidney disorder. Last evaluated: 2020-02-01. Review status: criteria provided, single submitter. Criteria: ACMG Guidelines, 2015. Collection method: clinical testing. Allele origin: germline.

Illumina Laboratory Services, Illumina
Classification: Uncertain significance for Atypical hemolytic-uremic syndrome with MCP/CD46 anomaly. Last evaluated: 2018-01-13. Review status: criteria provided, single submitter. Criteria: ICSL Variant Classification Criteria 13 December 2019. Collection method: clinical testing. Allele origin: germline.

Literature cited by the submitters: PubMed 27064621 (cited by Genomenon, Inc).

NM_172351.3(CD46):c.574G>C (p.Asp192His)

Gene: CD46 (CD46 molecule; plus strand). Cytogenetic location: 1q32.2.
Variant type: single nucleotide variant.
Coding change: c.574G>C on transcript NM_172351.3 (MANE Select); coding-DNA position 574, G replaced by C.
Protein change: p.Asp192His; replaces aspartic acid 192 with histidine.
Molecular consequence: missense variant.
Genome position (GRCh38, 1-based): chr1:207,761,347, G>C. VCF-style: chr1-207761347-G-C. GRCh37 (hg19) VCF-style: chr1-207934692-G-C.
Other names: c.574G>C, p.Asp192His (LRG_155t1, NM_002389.4, NM_153826.4 and 9 more transcripts); short protein forms D192H.
Identifiers: ClinVar variation 294969 (VCV000294969.18), dbSNP rs368371683, ClinGen allele CA1371677.